The following is an entry in ClinVar:

NM_001252024.2(TRPM1):c.1264-3C>G

Gene: TRPM1 (transient receptor potential cation channel subfamily M member 1; minus strand). Cytogenetic location: 15q13.3.
Variant type: single nucleotide variant.
Coding change: c.1264-3C>G on transcript NM_001252024.2 (MANE Select); 3 bases into the intron before coding-DNA position 1264, C replaced by G.
Molecular consequence: intron variant.
Genome position (GRCh38, 1-based): chr15:31,050,585, G>C on the plus strand (C>G on the coding strand, the complement: TRPM1 is on the minus strand). VCF-style: chr15-31050585-G-C. GRCh37 (hg19) VCF-style: chr15-31342788-G-C.
Other names: c.1315-3C>G (NM_001252020.2); c.1198-3C>G (NM_002420.6).
Identifiers: ClinVar variation 1493977 (VCV001493977.6), dbSNP rs2033921168, ClinGen allele CA968306541.

ClinVar aggregate classification (germline): Uncertain significance (1 of 4 stars; one submission).

Allele frequency attached by ClinVar (database versions not stated): TOPMed below 0.00001; gnomAD 0.00001.
gnomAD v4.1: 4 of 1,613,888 alleles (0.00025%); highest among the groups gnomAD compares: Non-Finnish European, 0.00025%; no homozygotes.

Submission:

Labcorp Genetics (formerly Invitae), Labcorp
Classification: Uncertain significance. Last evaluated: 2024-10-15. Review status: criteria provided, single submitter. Criteria: Invitae Variant Classification Sherloc (09022015). Collection method: clinical testing. Allele origin: germline.
Comment: This sequence change falls in intron 10 of the TRPM1 gene. It does not directly change the encoded amino acid sequence of the TRPM1 protein. It affects a nucleotide within the consensus splice site. This variant is not present in population databases (gnomAD no frequency). This variant has not been reported in the literature in individuals affected with TRPM1-related conditions. ClinVar contains an entry for this variant (Variation ID: 1493977). Variants that disrupt the consensus splice site are a relatively common cause of aberrant splicing (PMID: 17576681, 9536098). Algorithms developed to predict the effect of sequence changes on RNA splicing suggest that this variant may disrupt the consensus splice site. In summary, the available evidence is currently insufficient to determine the role of this variant in disease. Therefore, it has been classified as a Variant of Uncertain Significance.

Literature cited by the submitters: PubMed 17576681; PubMed 9536098.